The following is an entry in ClinVar:

NM_002878.4(RAD51D):c.876G>A (p.Met292Ile)

Genes: RAD51L3-RFFL (RAD51L3-RFFL readthrough; minus strand), RAD51D (RAD51 paralog D; minus strand). Cytogenetic location: 17q12.
Variant type: single nucleotide variant.
Coding change: c.876G>A on transcript NM_002878.4 (MANE Select); coding-DNA position 876, G replaced by A.
Protein change: p.Met292Ile; replaces methionine 292 with isoleucine.
Molecular consequence: missense variant. On other transcripts: non-coding transcript variant (3).
Genome position (GRCh38, 1-based): chr17:35,101,228, C>T on the plus strand (G>A on the coding strand, the complement: RAD51D is on the minus strand). VCF-style: chr17-35101228-C-T. GRCh37 (hg19) VCF-style: chr17-33428247-C-T.
Other names: c.936G>A, p.Met312Ile (NM_001142571.2); c.540G>A, p.Met180Ile (NM_133629.3); short protein forms M312I, M180I, M292I.
Identifiers: ClinVar variation 926698 (VCV000926698.13), dbSNP rs2091532238, ClinGen allele CA399086403.

ClinVar aggregate classification (germline): Conflicting classifications of pathogenicity. Review status: criteria provided, conflicting classifications (1 of 4 stars). 3 submissions from 3 submitters: Uncertain significance (2); Likely benign (1). Last evaluated 2024-02-26.

Conditions:
Breast-ovarian cancer, familial, susceptibility to, 4. Identifiers: Orphanet 145, MedGen C3280345, MONDO:0013669, OMIM 614291.
Hereditary cancer-predisposing syndrome. Also called: Neoplastic Syndromes, Hereditary; Tumor predisposition; Hereditary Cancer Syndrome; Hereditary neoplastic syndrome. Identifiers: Orphanet 140162, MedGen C0027672, MeSH D009386, MONDO:0015356.

Allele frequency attached by ClinVar (database versions not stated): TOPMed below 0.00001.

Submissions (3):

Ambry Genetics
Classification: Likely benign for Hereditary cancer-predisposing syndrome. Last evaluated: 2024-02-26. Review status: criteria provided, single submitter. Criteria: Ambry Variant Classification Scheme 2023. Collection method: clinical testing. Allele origin: germline.

Labcorp Genetics (formerly Invitae), Labcorp
Classification: Uncertain significance for Breast-ovarian cancer, familial, susceptibility to, 4. Last evaluated: 2024-02-13. Review status: criteria provided, single submitter. Criteria: Invitae Variant Classification Sherloc (09022015). Collection method: clinical testing. Allele origin: germline.
Comment: This sequence change replaces methionine, which is neutral and non-polar, with isoleucine, which is neutral and non-polar, at codon 292 of the RAD51D protein (p.Met292Ile). This variant is not present in population databases (gnomAD no frequency). This variant has not been reported in the literature in individuals affected with RAD51D-related conditions. ClinVar contains an entry for this variant (Variation ID: 926698). Advanced modeling of protein sequence and biophysical properties (such as structural, functional, and spatial information, amino acid conservation, physicochemical variation, residue mobility, and thermodynamic stability) performed at Invitae indicates that this missense variant is not expected to disrupt RAD51D protein function with a negative predictive value of 80%. In summary, the available evidence is currently insufficient to determine the role of this variant in disease. Therefore, it has been classified as a Variant of Uncertain Significance.

Color Diagnostics, LLC DBA Color Health
Classification: Uncertain significance for Hereditary cancer-predisposing syndrome. Last evaluated: 2023-12-04. Review status: criteria provided, single submitter. Criteria: ACMG Guidelines, 2015. Collection method: clinical testing. Allele origin: germline.
Comment: This missense variant replaces methionine with isoleucine at codon 292 of the RAD51D protein. Computational prediction suggests that this variant may not impact protein structure and function (internally defined REVEL score threshold <= 0.5, PMID: 27666373). To our knowledge, functional studies have not been reported for this variant. This variant has not been reported in individuals affected with RAD51D-related disorders in the literature. This variant has not been identified in the general population by the Genome Aggregation Database (gnomAD). The available evidence is insufficient to determine the role of this variant in disease conclusively. Therefore, this variant is classified as a Variant of Uncertain Significance.